The following is an entry in ClinVar:

NM_012079.6(DGAT1):c.676+1G>A

Gene: DGAT1 (diacylglycerol O-acyltransferase 1; minus strand). Cytogenetic location: 8q24.3.
Variant type: single nucleotide variant.
Coding change: c.676+1G>A on transcript NM_012079.6 (MANE Select); the canonical splice donor site of the intron after coding-DNA position 676, G replaced by A.
Molecular consequence: splice donor variant.
Genome position (GRCh38, 1-based): chr8:144,318,260, C>T on the plus strand (G>A on the coding strand, the complement: DGAT1 is on the minus strand). VCF-style: chr8-144318260-C-T. GRCh37 (hg19) VCF-style: chr8-145541923-C-T.
Other names: IVS7DS, G-A, +1 (rs782227374).
Identifiers: ClinVar variation 421742 (VCV000421742.4), dbSNP rs782227374, ClinGen allele CA4936927.

ClinVar aggregate classification (germline): Likely pathogenic. Review status: criteria provided, multiple submitters, no conflicts (2 of 4 stars). 3 submissions from 3 submitters: Likely pathogenic (2). 1 of the submissions does not count toward it. Last evaluated 2022-06-13.

Conditions:
DGAT1-related disorder. Also called: DGAT1-related condition.
Congenital diarrhea 7 with exudative enteropathy. Also called: Diarrhea 7. Identifiers: Orphanet 329242, MedGen C4014516, MONDO:0014375, OMIM 615863.

Allele frequency attached by ClinVar (database versions not stated): TOPMed 0.00001; ExAC 0.00002; gnomAD 0.00005; gnomAD exomes 0.00005.

Submissions (3):

Blueprint Genetics
Classification: Likely pathogenic for DGAT1-related disorders. Last evaluated: 2022-06-13. Review status: criteria provided, single submitter. Criteria: ACMG Guidelines, 2015. Collection method: clinical testing. Allele origin: germline. Affected: yes. Observed: 2 variant alleles.

GeneDx
Classification: Likely pathogenic. Last evaluated: 2016-08-01. Review status: criteria provided, single submitter. Criteria: GeneDx Variant Classification (06012015). Collection method: clinical testing. Allele origin: germline. Affected: yes.
Comment: The c.676+1G>A variant in the DGAT1 gene has not been reported previously as a pathogenic variant nor as a benign variant, to our knowledge. This splice site variant destroys the canonical splice donor site in intron 7. It is predicted to cause abnormal gene splicing resulting in an in-frame protein product with an abnormal message. The c.676+1G>A variant was not observed in approximately 6,500 individuals of European and African American ancestry in the NHLBI Exome Sequencing Project, indicating it is not a common benign variant in these populations. The c.676+1G>A variant is a strong candidate for a pathogenic variant, However, the possibility it may be a rare benign variant cannot be excluded.

OMIM
Classification: Pathogenic for DIARRHEA 7, PROTEIN-LOSING ENTEROPATHY TYPE. Last evaluated: 2022-11-30. Review status: no assertion criteria provided. Collection method: literature only. Allele origin: germline. Not counted in ClinVar's aggregate classification.

Literature cited by the submitters: PubMed 31778854 (cited by OMIM).